The following is an entry in ClinVar:

NM_004817.4(TJP2):c.122A>G (p.Lys41Arg)

Gene: TJP2 (tight junction protein 2; plus strand). Cytogenetic location: 9q21.11.
Variant type: single nucleotide variant.
Coding change: c.122A>G on transcript NM_004817.4 (MANE Select); coding-DNA position 122, A replaced by G.
Protein change: p.Lys41Arg; replaces lysine 41 with arginine.
Molecular consequence: missense variant.
Genome position (GRCh38, 1-based): chr9:69,216,346, A>G. VCF-style: chr9-69216346-A-G. GRCh37 (hg19) VCF-style: chr9-71831262-A-G.
Other names: c.122A>G, p.Lys41Arg (LRG_1201t1, NM_001369872.1, NM_001369873.1 and 1 more transcripts); c.122A>G (NM_004817.3); c.53A>G, p.Lys18Arg (NM_001170414.2, NM_001369870.1, NM_001369871.1); c.134A>G, p.Lys45Arg (NM_001170415.1, NM_001369874.1, NM_001369875.1); c.215A>G, p.Lys72Arg (NM_001170416.2); short protein forms K41R, K18R, K45R, K72R.
Identifiers: ClinVar variation 498161 (VCV000498161.6), dbSNP rs1554659207, ClinGen allele CA373525869.
Genomic context (GRCh38, chr9:69,216,346, plus strand): 5'-CCTGAAAGCCACTTATTGAAGGATTTTTAATATTTCTCCTCTCTGATGTACAGGATTCCA[A>G]AAGAGGATTTGGAATTGCAGTGTCCGGAGGCAGAGACAACCCCCACTTTGAAAATGGAGA-3'
Protein context (NP_004808.2, residues 31-51): QYTVTLQKDS[Lys41Arg]RGFGIAVSGG

ClinVar aggregate classification (germline): Uncertain significance. Review status: criteria provided, multiple submitters, no conflicts (2 of 4 stars). 2 submissions from 2 submitters: Uncertain significance (2). Last evaluated 2025-08-06.

Allele frequency attached by ClinVar (database versions not stated): gnomAD exomes below 0.00001.
gnomAD v4.1: 3 of 1,614,134 alleles (0.00019%); highest among the groups gnomAD compares: Non-Finnish European, 0.00025%; no homozygotes.

Submissions (2):

GeneDx
Classification: Uncertain significance. Last evaluated: 2025-08-06. Review status: criteria provided, single submitter. Criteria: GeneDx Variant Classification Process June 2021. Collection method: clinical testing. Allele origin: germline. Affected: yes.
Comment: Not observed at significant frequency in large population cohorts (gnomAD); In silico analysis suggests that this missense variant does not alter protein structure/function; Has not been previously published as pathogenic or benign to our knowledge

Eurofins Ntd Llc (ga)
Classification: Uncertain significance. Last evaluated: 2016-10-24. Review status: criteria provided, single submitter. Criteria: EGL Classification Definitions 2015. Collection method: clinical testing. Allele origin: germline. Observed: 1 variant allele, 1 heterozygote.